The following is an entry in ClinVar:

NM_000052.7(ATP7A):c.1419_1420insCTCT (p.Gly474fs)

Gene: ATP7A (ATPase copper transporting alpha; plus strand). Cytogenetic location: Xq21.1.
Variant type: Insertion.
Coding change: c.1419_1420insCTCT on transcript NM_000052.7 (MANE Select); coding-DNA positions 1419 to 1420, CTCT inserted.
Protein change: p.Gly474fs; shifts the reading frame from glycine 474.
Molecular consequence: frameshift variant.
Genome position: GRCh38 VCF-style: chrX-77998560-A-ACTCT. GRCh37 (hg19) VCF-style: chrX-77254057-A-ACTCT.
Other names: c.1419_1420insCTCT, p.Gly474fs (NM_001282224.2); short protein forms G474fs.
Identifiers: ClinVar variation 1725486 (VCV001725486.3), dbSNP rs2522314422, ClinGen allele CA2580101484.

ClinVar aggregate classification (germline): Likely pathogenic (1 of 4 stars; one submission).

Conditions:
Menkes kinky-hair syndrome (MNK). Also called: Copper transport disease; Classic Menkes Disease; Menkes Disease. Identifiers: Orphanet 565, MedGen C0022716, MONDO:0010651, OMIM 309400.

Submission:

Myriad Genetics, Inc.
Classification: Likely pathogenic for Menkes kinky-hair syndrome. Last evaluated: 2022-03-28. Review status: criteria provided, single submitter. Criteria: Myriad Autosomal Dominant, Autosomal Recessive and X-Linked Classification Criteria (2023). Collection method: clinical testing. Allele origin: unknown.
Comment: NM_000052.5(ATP7A):c.1419_1420insCTCT(G474Lfs*17) is expected to be pathogenic in the context of ATP7A-related disorders. This variant is predicted to lead to an abnormal or absent protein product due to the creation of a premature termination codon in ATP7A, a gene where loss-of-function variants are known to be pathogenic. Please note: this variant was assessed in the context of healthy population screening.